The following is an entry in ClinVar:

ClinVar aggregate classification (germline): Conflicting classifications of pathogenicity. Review status: criteria provided, conflicting classifications (1 of 4 stars). 11 submissions from 11 submitters: Uncertain significance (4); Benign (1); Likely benign (5). 1 of the submissions does not count toward it. Last evaluated 2026-01-19.

Conditions:
Hereditary nonpolyposis colorectal neoplasms. Identifiers: MedGen C0009405, MeSH D003123.
Hereditary cancer-predisposing syndrome. Also called: Tumor predisposition; Neoplastic Syndromes, Hereditary; Hereditary neoplastic syndrome; Hereditary Cancer Syndrome. Identifiers: Orphanet 140162, MedGen C0027672, MeSH D009386, MONDO:0015356.
Lynch syndrome. Identifiers: Orphanet 144, MedGen C4552100, MONDO:0005835. Disease mechanism: loss of function.
Lynch syndrome 4 (LYNCH4). Also called: Colorectal cancer, hereditary nonpolyposis, type 4; Hereditary non-polyposis colorectal cancer, type 4. Identifiers: Orphanet 144, MedGen C1838333, MONDO:0013699, OMIM 614337. Disease mechanism: loss of function.
Malignant tumor of breast. Also called: Malignant breast neoplasm; Cancer breast. Identifiers: MedGen C0006142, MONDO:0007254. Disease mechanism: loss of function.

Allele frequency attached by ClinVar (database versions not stated): gnomAD exomes 0.00001; ExAC 0.00002; gnomAD 0.00005; TOPMed 0.00008; ESP Exome Variant Server 0.00015.
gnomAD v4.1: 18 of 1,614,156 alleles (0.0011%); highest among the groups gnomAD compares: African/African-American, 0.011%; no homozygotes.

Submissions (11):

Labcorp Genetics (formerly Invitae), Labcorp
Classification: Benign for Hereditary nonpolyposis colorectal neoplasms. Last evaluated: 2026-01-19. Review status: criteria provided, single submitter. Criteria: Invitae Variant Classification Sherloc (09022015). Collection method: clinical testing. Allele origin: germline.

Dasa
Classification: Uncertain significance. Last evaluated: 2025-06-02. Review status: criteria provided, single submitter. Criteria: DASA Assertion Criteria. Collection method: clinical testing. Allele origin: germline.
Comment: NM_000535.7(PMS2):c.1432A>G (p.Ser478Gly) is a missense variant that results in the substitution of serine with glycine. This variant is rare in population databases. Computational prediction algorithms are consistent with a benign effect. The currently available literature and clinical evidence are not sufficient to establish a definitive association between this variant and the reported condition. Therefore, this variant is classified as a variant of uncertain significance.

Quest Diagnostics Nichols Institute San Juan Capistrano
Classification: Uncertain significance. Last evaluated: 2025-01-20. Review status: criteria provided, single submitter. Criteria: Quest Diagnostics criteria. Collection method: clinical testing. Allele origin: unknown.
Comment: The PMS2 c.1432A>G (p.Ser478Gly) variant has been reported in the published literature in an individual with breast cancer (PMID: 32885271 (2021)) as well as in a reportedly healthy individual (PMID: 33471991 (2021), see LOVD)). The frequency of this variant in the general population (Genome Aggregation Database) is uninformative in the assessment of its pathogenicity. Analysis of this variant using bioinformatics tools for the prediction of the effect of amino acid changes on protein structure and function yielded predictions that this variant is benign. Based on the available information, we are unable to determine the clinical significance of this variant.

Color Diagnostics, LLC DBA Color Health
Classification: Likely benign for Hereditary cancer-predisposing syndrome. Last evaluated: 2024-10-17. Review status: criteria provided, single submitter. Criteria: ACMG Guidelines, 2015. Collection method: clinical testing. Allele origin: germline.

All of Us Research Program, National Institutes of Health
Classification: Likely benign for Lynch syndrome. Last evaluated: 2024-09-23. Review status: criteria provided, single submitter. Criteria: ACMG Guidelines, 2015. Collection method: clinical testing. Allele origin: germline. Inheritance: Autosomal dominant inheritance. Observed: 6 variant alleles, 6 heterozygotes.
Comment: This study involves interpretation of variants in research participants for the purpose of population health screening. Participant phenotype was not available at the time of variant classification. Additional details can be found in publication PMID: 35346344, PMCID: PMC8962531

GeneDx
Classification: Likely benign. Last evaluated: 2021-09-22. Review status: criteria provided, single submitter. Criteria: GeneDx Variant Classification Process June 2021. Collection method: clinical testing. Allele origin: germline. Affected: yes.

Blueprint Genetics
Classification: Likely benign. Last evaluated: 2021-06-09. Review status: criteria provided, single submitter. Criteria: ACMG Guidelines, 2015. Collection method: clinical testing. Allele origin: germline.

Mendelics
Classification: Uncertain significance for Lynch syndrome 4. Last evaluated: 2019-05-28. Review status: criteria provided, single submitter. Criteria: Mendelics Assertion Criteria 2017. Collection method: clinical testing. Allele origin: unknown.

Ambry Genetics
Classification: Likely benign for Hereditary cancer-predisposing syndrome. Last evaluated: 2018-09-05. Review status: criteria provided, single submitter. Criteria: Ambry Variant Classification Scheme 2023. Collection method: clinical testing. Allele origin: germline.

Women's Health and Genetics/Laboratory Corporation of America, LabCorp
Classification: Uncertain significance. Last evaluated: 2018-06-15. Review status: criteria provided, single submitter. Criteria: LabCorp Variant Classification Summary - May 2015. Collection method: clinical testing. Allele origin: germline.
Comment: Variant summary: PMS2 c.1432A>G (p.Ser478Gly) results in a non-conservative amino acid change in the encoded protein sequence. Four of five in-silico tools predict a benign effect of the variant on protein function. The variant allele was found at a frequency of 1.6e-05 in 121410 control chromosomes. The available data on variant occurrences in the general population are insufficient to allow any conclusion about variant significance. To our knowledge, no occurrence of c.1432A>G in individuals affected with Lynch Syndrome and no experimental evidence demonstrating its impact on protein function have been reported. Three clinical diagnostic laboratories have submitted clinical-significance assessments for this variant to ClinVar after 2014 without evidence for independent evaluation (1 likely benign, 2 VUS). Based on the evidence outlined above, the variant was classified as uncertain significance.

Department of Pathology and Laboratory Medicine, Sinai Health System
Classification: Uncertain significance for Malignant tumor of breast. Review status: no assertion criteria provided. Collection method: clinical testing. Allele origin: unknown. Affected: yes. Observed: 1 variant allele. Study: The Canadian Open Genetics Repository (COGR). Not counted in ClinVar's aggregate classification.
Comment: The PMS2 p.Ser478Gly variant was not identified in the literature nor was it identified in the GeneInsight-COGR, Cosmic, MutDB, Zhejiang Colon Cancer Database, Mismatch Repair Genes Variant Database or Insight Hereditary Tumors Database, databases. The variant was identified in dbSNP (ID: rs144389038) as â€šÃ„ÃºWith Uncertain significance alleleâ€šÃ„Ã¹ and ClinVar (3x as likely benign by GeneDx, as uncertain significance by Ambry Genetics and Invitae) databases. The variant was identified in control databases in 2 of 246266 chromosomes at a frequency of 0.000008 (Genome Aggregation Database Feb 27, 2017). The variant was observed in the following populations: African in 1 of 15304 chromosomes (freq: 0.000065), Latino in 1 of 33582 chromosomes (freq: 0.00003), while the variant was not observed in the Other, European Non-Finnish, Ashkenazi Jewish, East Asian, European Finnish, or South Asian populations. The p.Ser478 residue is not conserved in mammals and computational analyses (PolyPhen-2, SIFT, AlignGVGD, BLOSUM, MutationTaster) do not suggest a high likelihood of impact to the protein; however, this information is not predictive enough to rule out pathogenicity. The variant occurs outside of the splicing consensus sequence and in silico or computational prediction software programs (SpliceSiteFinder, MaxEntScan, NNSPLICE, GeneSplicer) do not predict a difference in splicing. In summary, based on the above information the clinical significance of this variant cannot be determined with certainty at this time. This variant is classified as a variant of uncertain significance.

Literature cited by the submitters: PubMed 33471991 (cited by Quest Diagnostics Nichols Institute San Juan Capistrano); PubMed 32885271 (cited by Quest Diagnostics Nichols Institute San Juan Capistrano).

NM_000535.7(PMS2):c.1432A>G (p.Ser478Gly)

Gene: PMS2 (PMS1 homolog 2, mismatch repair system component; minus strand). Cytogenetic location: 7p22.1.
Variant type: single nucleotide variant.
Coding change: c.1432A>G on transcript NM_000535.7 (MANE Select); coding-DNA position 1432, A replaced by G.
Protein change: p.Ser478Gly; replaces serine 478 with glycine.
Molecular consequence: missense variant. On other transcripts: non-coding transcript variant (1).
Genome position (GRCh38, 1-based): chr7:5,987,333, T>C on the plus strand (A>G on the coding strand, the complement: PMS2 is on the minus strand). VCF-style: chr7-5987333-T-C. GRCh37 (hg19) VCF-style: chr7-6026964-T-C.
Other names: c.1027A>G, p.Ser343Gly (NM_001322003.2, NM_001322004.2, NM_001322005.2 and 1 more transcripts); c.1276A>G, p.Ser426Gly (NM_001322006.2); c.1114A>G, p.Ser372Gly (NM_001322007.2, NM_001322008.2); c.871A>G, p.Ser291Gly (NM_001322010.2); c.499A>G, p.Ser167Gly (NM_001322011.2, NM_001322012.2); c.859A>G, p.Ser287Gly (NM_001322013.2); c.1432A>G, p.Ser478Gly (NM_001322014.2); c.1123A>G, p.Ser375Gly (NM_001322015.2); short protein forms S478G, S167G, S375G, S372G, S426G, S287G, S291G, S343G.
Identifiers: ClinVar variation 186428 (VCV000186428.28), dbSNP rs144389038, ClinGen allele CA009665.